The following is an entry in ClinVar:

NM_003982.4(SLC7A7):c.1400A>T (p.Lys467Met)

Gene: SLC7A7 (solute carrier family 7 member 7; minus strand). Cytogenetic location: 14q11.2.
Variant type: single nucleotide variant.
Coding change: c.1400A>T on transcript NM_003982.4 (MANE Select); coding-DNA position 1400, A replaced by T.
Protein change: p.Lys467Met; replaces lysine 467 with methionine.
Molecular consequence: missense variant.
Genome position (GRCh38, 1-based): chr14:22,773,962, T>A on the plus strand (A>T on the coding strand, the complement: SLC7A7 is on the minus strand). VCF-style: chr14-22773962-T-A. GRCh37 (hg19) VCF-style: chr14-23243171-T-A.
Other names: p.Lys467Met; c.1400A>T, p.Lys467Met (NM_001126105.3, NM_001126106.4); short protein forms K467M.
Identifiers: ClinVar variation 312811 (VCV000312811.16), dbSNP rs199522527, ClinGen allele CA7104403.
Genomic context (GRCh38, chr14:22,773,962, plus strand): 5'-AGCTGAGCGGACTTAAGGATGCACGGCTTACCCACGATCCTTCGGAGGTAAAGCGGTCGC[T>A]TATGTTCTGGCACTCTGATGATGAGGAAGTAAAAGGGCAGGCCTGAGAGGGCAATGGCAA-3'
Protein context (NP_003973.3, residues 457-477): YFLIIRVPEH[Lys467Met]RPLYLRRIVG

ClinVar aggregate classification (germline): Uncertain significance. Review status: criteria provided, multiple submitters, no conflicts (2 of 4 stars). 6 submissions from 6 submitters: Uncertain significance (5). 1 of the submissions does not count toward it. Last evaluated 2025-03-27.

Conditions:
Lysinuric protein intolerance (LPI). Identifiers: Orphanet 470, MedGen C0268647, MONDO:0009109, OMIM 222700.
Inborn genetic diseases. Identifiers: MedGen C0950123, MeSH D030342.

Allele frequency attached by ClinVar (database versions not stated): TOPMed 0.00017; gnomAD 0.00019; gnomAD exomes 0.00029; ExAC 0.00030; ESP Exome Variant Server 0.00046.
gnomAD v4.1: 506 of 1,609,696 alleles (0.031%); highest among the groups gnomAD compares: Non-Finnish European, 0.034%; 2 homozygotes.

Submissions (6):

Ambry Genetics
Classification: Uncertain significance for Inborn genetic diseases. Last evaluated: 2025-03-27. Review status: criteria provided, single submitter. Criteria: Ambry Variant Classification Scheme 2023. Collection method: clinical testing. Allele origin: germline.

Mayo Clinic Laboratories, Mayo Clinic
Classification: Uncertain significance. Last evaluated: 2023-04-06. Review status: criteria provided, single submitter. Criteria: ACMG Guidelines, 2015. Collection method: clinical testing. Allele origin: germline. Observed: 1 variant allele.

Labcorp Genetics (formerly Invitae), Labcorp
Classification: Uncertain significance for Lysinuric protein intolerance. Last evaluated: 2022-10-17. Review status: criteria provided, single submitter. Criteria: Invitae Variant Classification Sherloc (09022015). Collection method: clinical testing. Allele origin: germline.
Comment: This sequence change replaces lysine, which is basic and polar, with methionine, which is neutral and non-polar, at codon 467 of the SLC7A7 protein (p.Lys467Met). This variant is present in population databases (rs199522527, gnomAD 0.09%), including at least one homozygous and/or hemizygous individual. This variant has not been reported in the literature in individuals affected with SLC7A7-related conditions. ClinVar contains an entry for this variant (Variation ID: 312811). Algorithms developed to predict the effect of missense changes on protein structure and function are either unavailable or do not agree on the potential impact of this missense change (SIFT: "Tolerated"; PolyPhen-2: "Possibly Damaging"; Align-GVGD: "Class C0"). In summary, the available evidence is currently insufficient to determine the role of this variant in disease. Therefore, it has been classified as a Variant of Uncertain Significance.

Genome-Nilou Lab
Classification: Uncertain significance for Lysinuric protein intolerance. Last evaluated: 2021-11-07. Review status: criteria provided, single submitter. Criteria: ACMG Guidelines, 2015. Collection method: clinical testing. Allele origin: germline. Affected: no.

Illumina Laboratory Services, Illumina
Classification: Uncertain significance for Lysinuric protein intolerance. Last evaluated: 2018-01-13. Review status: criteria provided, single submitter. Criteria: ICSL Variant Classification Criteria 13 December 2019. Collection method: clinical testing. Allele origin: germline.

Natera, Inc.
Classification: Uncertain significance for Lysinuric protein intolerance. Last evaluated: 2021-03-05. Review status: no assertion criteria provided. Collection method: clinical testing. Allele origin: germline. Not counted in ClinVar's aggregate classification.